The following is an entry in ClinVar:

NM_001378969.1(KCND3):c.817G>A (p.Gly273Ser)

Gene: KCND3 (potassium voltage-gated channel subfamily D member 3; minus strand). Cytogenetic location: 1p13.2.
Variant type: single nucleotide variant.
Coding change: c.817G>A on transcript NM_001378969.1 (MANE Select); coding-DNA position 817, G replaced by A.
Protein change: p.Gly273Ser; replaces glycine 273 with serine.
Molecular consequence: missense variant.
Genome position (GRCh38, 1-based): chr1:111,981,910, C>T on the plus strand (G>A on the coding strand, the complement: KCND3 is on the minus strand). VCF-style: chr1-111981910-C-T. GRCh37 (hg19) VCF-style: chr1-112524532-C-T.
Other names: c.817G>A, p.Gly273Ser (NM_001378970.1, NM_004980.5, NM_172198.3); short protein forms G273S.
Identifiers: ClinVar variation 222666 (VCV000222666.2), dbSNP rs869025444, ClinGen allele CA351798.

ClinVar aggregate classification (germline): Uncertain significance (1 of 4 stars; one submission).

Conditions:
Spinocerebellar ataxia type 19/22 (SCA19). Also called: SPINOCEREBELLAR ATAXIA 22; SPINOCEREBELLAR ATAXIA 19. Identifiers: Orphanet 98772, MedGen C1846367, MONDO:0011819, OMIM 607346.

Submission:

Institute of Human Genetics, University of Leipzig Medical Center
Classification: Uncertain significance for Spinocerebellar ataxia type 19/22. Last evaluated: 2025-09-26. Review status: criteria provided, single submitter. Criteria: ACMG Guidelines, 2015. Collection method: clinical testing. Allele origin: unknown. Inheritance: Autosomal dominant inheritance. Affected: yes.
Comment: Criteria applied: PM1_SUP,PM2,PP2,PP3